The following is an entry in ClinVar:

ClinVar aggregate classification (germline): Uncertain significance (1 of 4 stars; one submission).

gnomAD v4.1: 15 of 1,614,094 alleles (0.00093%); highest among the groups gnomAD compares: African/African-American, 0.02%; no homozygotes.

Submission:

Labcorp Genetics (formerly Invitae), Labcorp
Classification: Uncertain significance. Last evaluated: 2024-11-14. Review status: criteria provided, single submitter. Criteria: Invitae Variant Classification Sherloc (09022015). Collection method: clinical testing. Allele origin: germline.
Comment: This sequence change replaces leucine, which is neutral and non-polar, with phenylalanine, which is neutral and non-polar, at codon 556 of the CUL7 protein (p.Leu556Phe). This variant is present in population databases (rs143287239, gnomAD 0.02%). This variant has not been reported in the literature in individuals affected with CUL7-related conditions. An algorithm developed to predict the effect of missense changes on protein structure and function (PolyPhen-2) suggests that this variant is likely to be disruptive. In summary, the available evidence is currently insufficient to determine the role of this variant in disease. Therefore, it has been classified as a Variant of Uncertain Significance.

NM_014780.5(CUL7):c.1666C>T (p.Leu556Phe)

Gene: CUL7 (cullin 7; minus strand). Cytogenetic location: 6p21.1.
Variant type: single nucleotide variant.
Coding change: c.1666C>T on transcript NM_014780.5 (MANE Select); coding-DNA position 1666, C replaced by T.
Protein change: p.Leu556Phe; replaces leucine 556 with phenylalanine.
Molecular consequence: missense variant.
Genome position (GRCh38, 1-based): chr6:43,049,566, G>A on the plus strand (C>T on the coding strand, the complement: CUL7 is on the minus strand). VCF-style: chr6-43049566-G-A. GRCh37 (hg19) VCF-style: chr6-43017304-G-A.
Other names: c.1762C>T, p.Leu588Phe (NM_001168370.2, NM_001374872.1); c.1666C>T, p.Leu556Phe (NM_001374873.1, NM_001374874.1); short protein forms L556F, L588F.
Identifiers: ClinVar variation 3664785 (VCV003664785.2).